The following is an entry in ClinVar:

NM_006767.4(LZTR1):c.905C>T (p.Ala302Val)

Gene: LZTR1 (leucine zipper like post translational regulator 1; plus strand). Cytogenetic location: 22q11.21.
Variant type: single nucleotide variant.
Coding change: c.905C>T on transcript NM_006767.4 (MANE Select); coding-DNA position 905, C replaced by T.
Protein change: p.Ala302Val; replaces alanine 302 with valine.
Molecular consequence: missense variant.
Genome position (GRCh38, 1-based): chr22:20,991,741, C>T. VCF-style: chr22-20991741-C-T. GRCh37 (hg19) VCF-style: chr22-21346030-C-T.
Other names: short protein forms A302V.
Identifiers: ClinVar variation 839110 (VCV000839110.14), dbSNP rs765881289, ClinGen allele CA10118659.
Genomic context (GRCh38, chr22:20,991,741, plus strand): 5'-AGCGGCGCTACGGGCATACCATGGTGGCCTTTGACCGCCACCTCTATGTGTTTGGGGGTG[C>T]GGCCGACAACACGCTGCCCAACGAGCTGCACTGCTATGACGTGGACTTCCAGACCTGGGA-3'
Protein context (NP_006758.2, residues 292-312): FDRHLYVFGG[Ala302Val]ADNTLPNELH

ClinVar aggregate classification (germline): Uncertain significance. Review status: criteria provided, multiple submitters, no conflicts (2 of 4 stars). 3 submissions from 3 submitters: Uncertain significance (3). Last evaluated 2026-02-02.

Conditions:
Cardiovascular phenotype. Identifiers: MedGen CN230736.
Hereditary cancer-predisposing syndrome. Also called: Neoplastic Syndromes, Hereditary; Tumor predisposition; Hereditary neoplastic syndrome; Hereditary Cancer Syndrome. Identifiers: Orphanet 140162, MedGen C0027672, MeSH D009386, MONDO:0015356.
Noonan syndrome and Noonan-related syndrome. Identifiers: Orphanet 98733, MedGen C5681679, MONDO:0020297.

Allele frequency attached by ClinVar (database versions not stated): gnomAD exomes 0.00001 and 0.00002; TOPMed 0.00001; ExAC 0.00003.
gnomAD v4.1: 19 of 1,571,696 alleles (0.0012%); highest among the groups gnomAD compares: East Asian, 0.007%; no homozygotes.

Submissions (3):

Labcorp Genetics (formerly Invitae), Labcorp
Classification: Uncertain significance. Last evaluated: 2026-02-02. Review status: criteria provided, single submitter. Criteria: Invitae Variant Classification Sherloc (09022015). Collection method: clinical testing. Allele origin: germline.
Comment: This sequence change replaces alanine, which is neutral and non-polar, with valine, which is neutral and non-polar, at codon 302 of the LZTR1 protein (p.Ala302Val). The frequency data for this variant in the population databases is considered unreliable, as metrics indicate poor data quality at this position in the gnomAD database. This variant has not been reported in the literature in individuals affected with LZTR1-related conditions. ClinVar contains an entry for this variant (Variation ID: 839110). Invitae Evidence Modeling of protein sequence and biophysical properties (such as structural, functional, and spatial information, amino acid conservation, physicochemical variation, residue mobility, and thermodynamic stability) indicates that this missense variant is not expected to disrupt LZTR1 protein function with a negative predictive value of 80%. In summary, the available evidence is currently insufficient to determine the role of this variant in disease. Therefore, it has been classified as a Variant of Uncertain Significance.

Ambry Genetics
Classification: Uncertain significance for Cardiovascular phenotype; Hereditary cancer-predisposing syndrome. Last evaluated: 2025-02-18. Review status: criteria provided, single submitter. Criteria: Ambry Variant Classification Scheme 2023. Collection method: clinical testing. Allele origin: germline.
Comment: The p.A302V variant (also known as c.905C>T), located in coding exon 9 of the LZTR1 gene, results from a C to T substitution at nucleotide position 905. The alanine at codon 302 is replaced by valine, an amino acid with similar properties. This amino acid position is highly conserved in available vertebrate species. In addition, the in silico prediction for this alteration is inconclusive. Based on the available evidence, the clinical significance of this variant remains unclear.

Genome Diagnostics Laboratory, The Hospital for Sick Children
Classification: Uncertain significance for Noonan syndrome and Noonan-related syndrome. Last evaluated: 2021-04-06. Review status: criteria provided, single submitter. Criteria: ACMG Guidelines, 2015. Collection method: clinical testing. Allele origin: germline.